The following is an entry in ClinVar:

ClinVar aggregate classification (germline): Uncertain significance (1 of 4 stars; one submission).

Conditions:
Multiple congenital anomalies-hypotonia-seizures syndrome 1 (MCAHS1). Also called: GLYCOSYLPHOSPHATIDYLINOSITOL BIOSYNTHESIS DEFECT 3; PIGN-CDG; Congenital disorder of glycosylation due to PIGN deficiency. Identifiers: Orphanet 280633, MedGen C3279775, MONDO:0013563, OMIM 614080.

gnomAD v4.1: 9 of 1,610,990 alleles (0.00056%); highest among the groups gnomAD compares: South Asian, 0.0077%; no homozygotes.

Submission:

Diagnostics Services (NGS), CSIR - Centre For Cellular And Molecular Biology
Classification: Uncertain significance for Multiple congenital anomalies-hypotonia-seizures syndrome 1. Last evaluated: 2025-12-26. Review status: criteria provided, single submitter. Criteria: ACMG Guidelines, 2015. Collection method: clinical testing. Allele origin: germline. Affected: no. Observed: 1 variant allele, 1 heterozygote.
Comment: The c.236A>G variant is not present in 1000 Genomes, EVS, Indian Exome Database or in our internal database. This variant is present in gnomAD, at low frequencies. This variant has neither been published in the literature for PIGN-related conditions nor reported to the ClinVar, HGMD or OMIM databases, in any affected individuals. Predictions from different in-silico pathogenicity prediction programs like SIFT, MutationTaster2021, CADD, Franklin, Varsome etc., are contradictory.

NM_176787.5(PIGN):c.236A>G (p.His79Arg)

Gene: PIGN (phosphatidylinositol glycan anchor biosynthesis class N; minus strand). Cytogenetic location: 18q21.33.
Variant type: single nucleotide variant.
Coding change: c.236A>G on transcript NM_176787.5 (MANE Select); coding-DNA position 236, A replaced by G.
Protein change: p.His79Arg; replaces histidine 79 with arginine.
Molecular consequence: missense variant.
Genome position (GRCh38, 1-based): chr18:62,157,794, T>C on the plus strand (A>G on the coding strand, the complement: PIGN is on the minus strand). VCF-style: chr18-62157794-T-C. GRCh37 (hg19) VCF-style: chr18-59825027-T-C.
Other names: c.236A>G, p.His79Arg (NM_001438896.1, NM_001438904.1, NM_001438905.1 and 2 more transcripts); short protein forms H79R.
Identifiers: ClinVar variation 4849681 (VCV004849681.1).